The following is an entry in ClinVar:

NM_033305.3(VPS13A):c.5855A>C (p.Asp1952Ala)

Gene: VPS13A (vacuolar protein sorting 13 homolog A; plus strand). Cytogenetic location: 9q21.2.
Variant type: single nucleotide variant.
Coding change: c.5855A>C on transcript NM_033305.3 (MANE Select); coding-DNA position 5855, A replaced by C.
Protein change: p.Asp1952Ala; replaces aspartic acid 1952 with alanine.
Molecular consequence: missense variant.
Genome position (GRCh38, 1-based): chr9:77,323,091, A>C. VCF-style: chr9-77323091-A-C. GRCh37 (hg19) VCF-style: chr9-79938007-A-C.
Other names: c.5738A>C, p.Asp1913Ala (NM_001018037.2); c.5855A>C, p.Asp1952Ala (NM_001018038.3, NM_015186.4); c.5855A>C (NM_033305.2); short protein forms D1913A, D1952A.
Identifiers: ClinVar variation 2579064 (VCV002579064.26), dbSNP rs1336467149, ClinGen allele CA373865014.
Genomic context (GRCh38, chr9:77,323,091, plus strand): 5'-ATAATAAAAACTTTTAAACATACTTACTTAATTTAGCACCTGTTAACCATTCTACTGCTG[A>C]TAAGATTCCTTTAACAAAAGTGGGACGACGTCTGTACACTGTAAGACACAGAGAGTCTGG-3'
Protein context (NP_150648.2, residues 1942-1962): LLTPVNHSTA[Asp1952Ala]KIPLTKVGRR

ClinVar aggregate classification (germline): Uncertain significance. Review status: criteria provided, multiple submitters, no conflicts (2 of 4 stars). 3 submissions from 3 submitters: Uncertain significance (3). Last evaluated 2025-12-06.

Conditions:
Inborn genetic diseases. Identifiers: MedGen C0950123, MeSH D030342.

Allele frequency attached by ClinVar (database versions not stated): TOPMed below 0.00001; gnomAD 0.00001.
gnomAD v4.1: 3 of 1,612,778 alleles (0.00019%); highest among the groups gnomAD compares: Non-Finnish European, 0.00025%; no homozygotes.

Submissions (3):

Labcorp Genetics (formerly Invitae), Labcorp
Classification: Uncertain significance. Last evaluated: 2025-12-06. Review status: criteria provided, single submitter. Criteria: Invitae Variant Classification Sherloc (09022015). Collection method: clinical testing. Allele origin: germline.
Comment: This sequence change replaces aspartic acid, which is acidic and polar, with alanine, which is neutral and non-polar, at codon 1952 of the VPS13A protein (p.Asp1952Ala). This variant is present in population databases (no rsID available, gnomAD 0.002%). This variant has not been reported in the literature in individuals affected with VPS13A-related conditions. ClinVar contains an entry for this variant (Variation ID: 2579064). An algorithm developed to predict the effect of missense changes on protein structure and function (PolyPhen-2) suggests that this variant is likely to be tolerated. In summary, the available evidence is currently insufficient to determine the role of this variant in disease. Therefore, it has been classified as a Variant of Uncertain Significance.

Ambry Genetics
Classification: Uncertain significance for Inborn genetic diseases. Last evaluated: 2025-04-11. Review status: criteria provided, single submitter. Criteria: Ambry Variant Classification Scheme 2023. Collection method: clinical testing. Allele origin: germline.

CeGaT Center for Human Genetics Tuebingen
Classification: Uncertain significance. Last evaluated: 2023-07-01. Review status: criteria provided, single submitter. Criteria: CeGaT Center For Human Genetics Tuebingen Variant Classification Criteria Version 2. Collection method: clinical testing. Allele origin: germline. Affected: yes. Observed: 1 variant allele.
Comment: VPS13A: PM2